The following is an entry in ClinVar:

ClinVar aggregate classification (germline): Pathogenic. Review status: criteria provided, multiple submitters, no conflicts (2 of 4 stars). 5 submissions from 4 submitters: Pathogenic (5). Last evaluated 2024-08-13.

Conditions:
Nicolaides-Baraitser syndrome (NCBRS). Also called: SMARCA2-Related Nicolaides-Baraitser Syndrome; Intellectual disability-sparse hair-brachydactyly syndrome. Identifiers: Orphanet 3051, MedGen C1303073, MONDO:0011053, OMIM 601358.
SMARCA2-related disorder. Also called: SMARCA2-related condition.
Blepharophimosis-impaired intellectual development syndrome. Identifiers: Orphanet 637013, MedGen C5443984, MONDO:0859139, OMIM 619293.
Inborn genetic diseases. Identifiers: MedGen C0950123, MeSH D030342.

Submissions (5):

Ambry Genetics
Classification: Pathogenic for Inborn genetic diseases. Last evaluated: 2024-08-13. Review status: criteria provided, single submitter. Criteria: Ambry Variant Classification Scheme 2023. Collection method: clinical testing. Allele origin: germline.
Comment: The p.R1105H pathogenic mutation (also known as c.3314G>A) is located in exon 24 (coding exon 23) of the SMARCA2 gene. This alteration results from a G to A substitution at nucleotide position 3314, causing the arginine (R) at amino acid position 1105 to be replaced by a histidine (H). This variant is considered to be rare based on population cohorts in the Genome Aggregation Database (gnomAD). This variant was reported in multiple individuals with features consistent with SMARCA2-related neurodevelopmental disorder; in at least one instance, this variant has been determined to be the result of a de novo mutation (Santen, 2013; Vissers, 2017; Henriquez-Lopez, 2023; Ambry internal data). Other alterations at the same codon, c.3313C>T (p.R1105C) and c.3314G>C (p.R1105P), have been reported in individuals with features consistent with SMARCA2-related neurodevelopmental disorder (Van Houdt, 2012). This amino acid position is highly conserved in available vertebrate species. In addition, this alteration is predicted to be deleterious by in silico analysis and located in a region that has a low rate of benign missense variation (Lek, 2016; Firth, 2009). Based on the supporting evidence, this variant is interpreted as a disease-causing mutation.

Blueprint Genetics
Classification: Pathogenic for SMARCA2-related disorders. Last evaluated: 2022-12-14. Review status: criteria provided, single submitter. Criteria: ACMG Guidelines, 2015. Collection method: clinical testing. Allele origin: germline. Affected: yes. Observed: 1 variant allele.

Baylor Genetics
Classification: Pathogenic for Blepharophimosis-impaired intellectual development syndrome. Last evaluated: 2021-07-01. Review status: criteria provided, single submitter. Criteria: ACMG Guidelines, 2015. Collection method: clinical testing. Allele origin: unknown.

Baylor Genetics
Classification: Pathogenic for Nicolaides-Baraitser syndrome. Last evaluated: 2021-07-01. Review status: criteria provided, single submitter. Criteria: ACMG Guidelines, 2015. Collection method: clinical testing. Allele origin: unknown.

Institute of Human Genetics, University of Leipzig Medical Center
Classification: Pathogenic for Nicolaides-Baraitser syndrome. Last evaluated: 2020-09-02. Review status: criteria provided, single submitter. Criteria: ACMG Guidelines, 2015. Collection method: clinical testing. Allele origin: de novo. Affected: yes.
Comment: This variant was identified as de novo (maternity and paternity confirmed).

Literature cited by the submitters: PubMed 23929686 (cited by Ambry Genetics); PubMed 24090879 (cited by Ambry Genetics); PubMed 28333917 (cited by Ambry Genetics).

NM_003070.5(SMARCA2):c.3314G>A (p.Arg1105His)

Gene: SMARCA2 (SWI/SNF related BAF chromatin remodeling complex subunit ATPase 2; plus strand). Cytogenetic location: 9p24.3.
Variant type: single nucleotide variant.
Coding change: c.3314G>A on transcript NM_003070.5 (MANE Select); coding-DNA position 3314, G replaced by A.
Protein change: p.Arg1105His; replaces arginine 1105 with histidine.
Molecular consequence: missense variant.
Genome position (GRCh38, 1-based): chr9:2,110,275, G>A. VCF-style: chr9-2110275-G-A. GRCh37 (hg19) VCF-style: chr9-2110275-G-A.
Other names: c.3314G>A (NM_003070.3); c.3314G>A, p.Arg1105His (NM_001289396.2, NM_139045.4); c.3140G>A, p.Arg1047His (NM_001289397.2); short protein forms R1047H, R1105H.
Identifiers: ClinVar variation 982859 (VCV000982859.6), dbSNP rs281875197, ClinGen allele CA372788006.